The following is an entry in ClinVar:

ClinVar aggregate classification (germline): Uncertain significance. Review status: criteria provided, multiple submitters, no conflicts (2 of 4 stars). 2 submissions from 2 submitters: Uncertain significance (2). Last evaluated 2025-11-05.

Conditions:
Cardiovascular phenotype. Identifiers: MedGen CN230736.
Walker-Warburg congenital muscular dystrophy. Also called: Muscular dystrophy-dystroglycanopathy, type A; Walker-Warburg syndrome. Identifiers: Orphanet 899, MedGen C0265221, MONDO:0000171.

Allele frequency attached by ClinVar (database versions not stated): gnomAD exomes below 0.00001.
gnomAD v4.1: 1 of 1,612,504 alleles (0.000062%); highest among the groups gnomAD compares: Admixed American, 0.0017%; no homozygotes.

Submissions (2):

Ambry Genetics
Classification: Uncertain significance for Cardiovascular phenotype. Last evaluated: 2025-11-05. Review status: criteria provided, single submitter. Criteria: Ambry Variant Classification Scheme 2023. Collection method: clinical testing. Allele origin: germline.

Labcorp Genetics (formerly Invitae), Labcorp
Classification: Uncertain significance for Walker-Warburg congenital muscular dystrophy. Last evaluated: 2022-08-23. Review status: criteria provided, single submitter. Criteria: Invitae Variant Classification Sherloc (09022015). Collection method: clinical testing. Allele origin: germline.
Comment: In summary, the available evidence is currently insufficient to determine the role of this variant in disease. Therefore, it has been classified as a Variant of Uncertain Significance. Algorithms developed to predict the effect of missense changes on protein structure and function are either unavailable or do not agree on the potential impact of this missense change (SIFT: "Tolerated"; PolyPhen-2: "Probably Damaging"; Align-GVGD: "Class C25"). ClinVar contains an entry for this variant (Variation ID: 528823). This variant has not been reported in the literature in individuals affected with FKTN-related conditions. This variant is not present in population databases (gnomAD no frequency). This sequence change replaces glycine, which is neutral and non-polar, with arginine, which is basic and polar, at codon 134 of the FKTN protein (p.Gly134Arg).

NM_001079802.2(FKTN):c.400G>A (p.Gly134Arg)

Gene: FKTN (fukutin; plus strand). Cytogenetic location: 9q31.2.
Variant type: single nucleotide variant.
Coding change: c.400G>A on transcript NM_001079802.2 (MANE Select); coding-DNA position 400, G replaced by A.
Protein change: p.Gly134Arg; replaces glycine 134 with arginine.
Molecular consequence: missense variant. On other transcripts: non-coding transcript variant (2).
Genome position (GRCh38, 1-based): chr9:105,604,245, G>A. VCF-style: chr9-105604245-G-A. GRCh37 (hg19) VCF-style: chr9-108366526-G-A.
Other names: c.400G>A, p.Gly134Arg (NM_001198963.2, NM_001351496.2, NM_001351498.2 and 1 more transcripts); c.331G>A, p.Gly111Arg (NM_001351497.2); c.4G>A, p.Gly2Arg (NM_001351499.2, NM_001351500.2, NM_001351501.2 and 1 more transcripts); short protein forms G134R, G111R, G2R.
Identifiers: ClinVar variation 528823 (VCV000528823.7), dbSNP rs1554752862, ClinGen allele CA374331921.